The following is an entry in ClinVar:

ClinVar aggregate classification (germline): Uncertain significance (3 of 4 stars; one submission).

Conditions:
Malignant hyperthermia of anesthesia. Also called: Anesthesic-triggered malignant hyperthermia. Identifiers: Orphanet 423, MedGen C0024591, MONDO:0018493, HP:0034733.

gnomAD v4.1: 3 of 1,614,088 alleles (0.00019%); highest among the groups gnomAD compares: Non-Finnish European, 0.00017%; no homozygotes.

Submission:

ClinGen Malignant Hyperthermia Susceptibility Variant Curation Expert Panel, ClinGen
Classification: Uncertain significance for Malignant hyperthermia of anesthesia. Last evaluated: 2025-08-01. Review status: reviewed by expert panel. Criteria: ClinGen MHS ACMG Specifications V2. Collection method: curation. Allele origin: germline. Inheritance: Autosomal dominant inheritance.
Comment: This pathogenicity assessment is relevant only for malignant hyperthermia susceptibility (MHS) inherited in an autosomal dominant pattern. Variants in RYR1 can also cause other myopathies inherited in an autosomal dominant pattern or in an autosomal recessive pattern. Some of these disorders may predispose individuals to malignant hyperthermia. RYR1 variants may also contribute to a malignant hyperthermia reaction in combination with other genetic and non-genetic factors and the clinician needs to consider such factors in making management decisions. This sequence variant predicts a substitution of threonine with arginine at codon 2885 of the RYR1 protein, p.(Thr2885Arg). This variant was not present in a large population database (gnomAD) at the time this variant was interpreted. This variant has been reported in an individual with a personal or family history of an MH episode and a positive in vitro contracture test (IVCT) or caffeine halothane contracture test (CHCT) result (if the proband was unavailable for testing, a positive diagnostic test result in a mutation-positive relative was counted), however, this individual also had a second variant of uncertain significance in RYR1, PS4 not implemented (PMID:25735680). No functional studies were identified for this variant. This variant does not reside in a hotspot for pathogenic variants that contribute to MHS. A REVEL score of 0.656 supports neither a pathogenic nor a benign status for this variant. This variant has been classified as a Variant of Unknown Significance. Criteria implemented: None.

NM_000540.3(RYR1):c.8654C>G (p.Thr2885Arg)

Gene: RYR1 (ryanodine receptor 1; plus strand). Cytogenetic location: 19q13.2.
Variant type: single nucleotide variant.
Coding change: c.8654C>G on transcript NM_000540.3 (MANE Select); coding-DNA position 8654, C replaced by G.
Protein change: p.Thr2885Arg; replaces threonine 2885 with arginine.
Molecular consequence: missense variant.
Genome position (GRCh38, 1-based): chr19:38,506,508, C>G. VCF-style: chr19-38506508-C-G. GRCh37 (hg19) VCF-style: chr19-38997148-C-G.
Other names: NM_000540.3(RYR1):c.8654C>G; p.(Thr2885Arg); NM_001042723.2:c.8654C>G; c.8654C>G, p.Thr2885Arg (NM_001042723.2); short protein forms T2885R.
Identifiers: ClinVar variation 1330361 (VCV001330361.3), dbSNP rs1159304367, ClinGen allele CA405680045.